The following is an entry in ClinVar:

NM_001035.3(RYR2):c.1272C>T (p.Phe424=)

Gene: RYR2 (ryanodine receptor 2; plus strand). Cytogenetic location: 1q43.
Variant type: single nucleotide variant.
Coding change: c.1272C>T on transcript NM_001035.3 (MANE Select); coding-DNA position 1272, C replaced by T.
Protein change: p.Phe424=; no amino-acid change (phenylalanine 424 retained).
Molecular consequence: synonymous variant.
Genome position (GRCh38, 1-based): chr1:237,445,502, C>T. VCF-style: chr1-237445502-C-T. GRCh37 (hg19) VCF-style: chr1-237608802-C-T.
Identifiers: ClinVar variation 1172447 (VCV001172447.3), dbSNP rs767394797, ClinGen allele CA423812117.

ClinVar aggregate classification (germline): Likely benign. Review status: criteria provided, multiple submitters, no conflicts (2 of 4 stars). 2 submissions from 2 submitters: Likely benign (2). Last evaluated 2023-09-17.

Conditions:
Cardiomyopathy (CMYO). Also called: Cardiomyopathies. Identifiers: Orphanet 167848, MedGen C0878544, MONDO:0004994, HP:0001638. Inheritance: Various modes of inheritance.
Catecholaminergic polymorphic ventricular tachycardia (CVPT). Also called: Catecholamine-induced polymorphic ventricular tachycardia. Identifiers: Orphanet 3286, MedGen C5574922, MONDO:0017990.

Submissions (2):

All of Us Research Program, National Institutes of Health
Classification: Likely benign for Catecholaminergic polymorphic ventricular tachycardia. Last evaluated: 2023-09-17. Review status: criteria provided, single submitter. Criteria: ACMG Guidelines, 2015. Collection method: clinical testing. Allele origin: germline. Inheritance: Autosomal dominant inheritance. Observed: 1 variant allele, 1 heterozygote.
Comment: This study involves interpretation of variants in research participants for the purpose of population health screening. Participant phenotype was not available at the time of variant classification. Additional details can be found in publication PMID: 35346344, PMCID: PMC8962531

Color Diagnostics, LLC DBA Color Health
Classification: Likely benign for Cardiomyopathy. Last evaluated: 2020-08-03. Review status: criteria provided, single submitter. Criteria: ACMG Guidelines, 2015. Collection method: clinical testing. Allele origin: germline.